The following is an entry in ClinVar:

NM_000059.4(BRCA2):c.1438T>C (p.Cys480Arg)

Gene: BRCA2 (BRCA2 DNA repair associated; plus strand). Cytogenetic location: 13q13.1.
Variant type: single nucleotide variant.
Coding change: c.1438T>C on transcript NM_000059.4 (MANE Select); coding-DNA position 1438, T replaced by C.
Protein change: p.Cys480Arg; replaces cysteine 480 with arginine.
Molecular consequence: missense variant.
Genome position (GRCh38, 1-based): chr13:32,332,916, T>C. VCF-style: chr13-32332916-T-C. GRCh37 (hg19) VCF-style: chr13-32907053-T-C.
Other names: 1666T>C; short protein forms C480R.
Identifiers: ClinVar variation 37740 (VCV000037740.9), dbSNP rs397507267, ClinGen allele CA012037.

ClinVar aggregate classification (germline): Conflicting classifications of pathogenicity. Review status: criteria provided, conflicting classifications (1 of 4 stars). 3 submissions from 3 submitters: Uncertain significance (1); Likely benign (1). 1 of the submissions does not count toward it. Last evaluated 2025-10-23.

Conditions:
Hereditary cancer-predisposing syndrome. Also called: Tumor predisposition; Neoplastic Syndromes, Hereditary; Hereditary neoplastic syndrome; Hereditary Cancer Syndrome. Identifiers: Orphanet 140162, MedGen C0027672, MeSH D009386, MONDO:0015356.
Breast-ovarian cancer, familial, susceptibility to, 2 (BROVCA2). Also called: BRCA2 Hereditary Breast and Ovarian Cancer. Identifiers: Orphanet 145, MedGen C2675520, MONDO:0012933, OMIM 612555. Disease mechanism: loss of function.

Submissions (3):

Ambry Genetics
Classification: Uncertain significance for Hereditary cancer-predisposing syndrome. Last evaluated: 2025-10-23. Review status: criteria provided, single submitter. Criteria: Ambry Variant Classification Scheme 2023. Collection method: clinical testing. Allele origin: germline.
Comment: The p.C480R variant (also known as c.1438T>C), located in coding exon 9 of the BRCA2 gene, results from a T to C substitution at nucleotide position 1438. The cysteine at codon 480 is replaced by arginine, an amino acid with highly dissimilar properties. This amino acid position is poorly conserved in available vertebrate species. In addition, this alteration is predicted to be tolerated by in silico analysis. Since supporting evidence is limited at this time, the clinical significance of this alteration remains unclear.

University of Washington Department of Laboratory Medicine, University of Washington
Classification: Likely benign for Hereditary cancer-predisposing syndrome. Last evaluated: 2023-03-23. Review status: criteria provided, single submitter. Criteria: Dines et al. (Genet Med. 2020). Collection method: curation. Allele origin: germline.
Comment: Missense variant in a coldspot region where missense variants are very unlikely to be pathogenic (PMID:31911673).

BRCA2 exon 10 coldspot. Reclassification based on statistical prior probability.

Sharing Clinical Reports Project (SCRP)
Classification: Uncertain significance for Breast-ovarian cancer, familial 2. Last evaluated: 2009-05-29. Review status: no assertion criteria provided. Collection method: clinical testing. Allele origin: germline. Not counted in ClinVar's aggregate classification.